The following is an entry in ClinVar:

NM_005911.6(MAT2A):c.460A>G (p.Ile154Val)

Genes: GGCX (gamma-glutamyl carboxylase; minus strand), MAT2A (methionine adenosyltransferase 2A; plus strand). Cytogenetic location: 2p11.2.
Variant type: single nucleotide variant.
Coding change: c.460A>G on transcript NM_005911.6 (MANE Select); coding-DNA position 460, A replaced by G.
Protein change: p.Ile154Val; replaces isoleucine 154 with valine.
Molecular consequence: missense variant.
Genome position (GRCh38, 1-based): chr2:85,541,883, A>G. VCF-style: chr2-85541883-A-G. GRCh37 (hg19) VCF-style: chr2-85769006-A-G.
Other names: c.460A>G (NM_005911.5); short protein forms I154V.
Identifiers: ClinVar variation 3014574 (VCV003014574.4), dbSNP rs764743973, ClinGen allele CA1741417.

ClinVar aggregate classification (germline): Uncertain significance. Review status: criteria provided, multiple submitters, no conflicts (2 of 4 stars). 2 submissions from 2 submitters: Uncertain significance (2). Last evaluated 2026-01-10.

Conditions:
Familial thoracic aortic aneurysm and aortic dissection (TAAD). Also called: Thoracic aortic aneurysms and dissections. Identifiers: Orphanet 91387, MedGen C4707243, MONDO:0019625.
Cardiovascular phenotype. Identifiers: MedGen CN230736.

Allele frequency attached by ClinVar (database versions not stated): TOPMed below 0.00001; gnomAD 0.00001; gnomAD exomes 0.00001; ExAC 0.00002.
gnomAD v4.1: 5 of 1,614,078 alleles (0.00031%); highest among the groups gnomAD compares: South Asian, 0.0022%; no homozygotes.

Submissions (2):

Ambry Genetics
Classification: Uncertain significance for Cardiovascular phenotype. Last evaluated: 2026-01-10. Review status: criteria provided, single submitter. Criteria: Ambry Variant Classification Scheme 2023. Collection method: clinical testing. Allele origin: germline.
Comment: The p.I154V variant (also known as c.460A>G), located in coding exon 5 of the MAT2A gene, results from an A to G substitution at nucleotide position 460. The isoleucine at codon 154 is replaced by valine, an amino acid with highly similar properties. This amino acid position is conserved. In addition, the in silico prediction for this alteration is inconclusive. Based on the available evidence, the clinical significance of this variant remains unclear.

Labcorp Genetics (formerly Invitae), Labcorp
Classification: Uncertain significance for Familial thoracic aortic aneurysm and aortic dissection. Last evaluated: 2023-10-29. Review status: criteria provided, single submitter. Criteria: Invitae Variant Classification Sherloc (09022015). Collection method: clinical testing. Allele origin: germline.
Comment: This sequence change replaces isoleucine, which is neutral and non-polar, with valine, which is neutral and non-polar, at codon 154 of the MAT2A protein (p.Ile154Val). This variant is present in population databases (rs764743973, gnomAD 0.006%). This variant has not been reported in the literature in individuals affected with MAT2A-related conditions. Advanced modeling of protein sequence and biophysical properties (such as structural, functional, and spatial information, amino acid conservation, physicochemical variation, residue mobility, and thermodynamic stability) performed at Invitae indicates that this missense variant is not expected to disrupt MAT2A protein function with a negative predictive value of 80%. In summary, the available evidence is currently insufficient to determine the role of this variant in disease. Therefore, it has been classified as a Variant of Uncertain Significance.